The following is an entry in ClinVar:

NM_001003800.2(BICD2):c.2285A>T (p.Asp762Val)

Gene: BICD2 (BICD cargo adaptor 2; minus strand). Cytogenetic location: 9q22.31.
Variant type: single nucleotide variant.
Coding change: c.2285A>T on transcript NM_001003800.2 (MANE Select); coding-DNA position 2285, A replaced by T.
Protein change: p.Asp762Val; replaces aspartic acid 762 with valine.
Molecular consequence: missense variant.
Genome position (GRCh38, 1-based): chr9:92,715,437, T>A on the plus strand (A>T on the coding strand, the complement: BICD2 is on the minus strand). VCF-style: chr9-92715437-T-A. GRCh37 (hg19) VCF-style: chr9-95477719-T-A.
Other names: c.2285A>T, p.Asp762Val (NM_015250.4); short protein forms D762V.
Identifiers: ClinVar variation 960931 (VCV000960931.10), dbSNP rs1853288605, ClinGen allele CA374030729.

ClinVar aggregate classification (germline): Uncertain significance (1 of 4 stars; one submission).

Conditions:
Autosomal dominant childhood-onset proximal spinal muscular atrophy with contractures (SMALED2A). Also called: SPINAL MUSCULAR ATROPHY, LOWER EXTREMITY-PREDOMINANT, 2A, CHILDHOOD ONSET, AUTOSOMAL DOMINANT; Spinal muscular atrophy, lower extremity-predominant, 2A, autosomal dominant. Identifiers: Orphanet 363447, Orphanet 363454, MedGen C4747715, MONDO:0014121, OMIM 615290.

Submission:

Labcorp Genetics (formerly Invitae), Labcorp
Classification: Uncertain significance for Autosomal dominant childhood-onset proximal spinal muscular atrophy with contractures. Last evaluated: 2024-10-08. Review status: criteria provided, single submitter. Criteria: Invitae Variant Classification Sherloc (09022015). Collection method: clinical testing. Allele origin: germline.
Comment: This sequence change replaces aspartic acid, which is acidic and polar, with valine, which is neutral and non-polar, at codon 762 of the BICD2 protein (p.Asp762Val). This variant is not present in population databases (gnomAD no frequency). This variant has not been reported in the literature in individuals affected with BICD2-related conditions. ClinVar contains an entry for this variant (Variation ID: 960931). Invitae Evidence Modeling of protein sequence and biophysical properties (such as structural, functional, and spatial information, amino acid conservation, physicochemical variation, residue mobility, and thermodynamic stability) indicates that this missense variant is expected to disrupt BICD2 protein function with a positive predictive value of 80%. In summary, the available evidence is currently insufficient to determine the role of this variant in disease. Therefore, it has been classified as a Variant of Uncertain Significance.